The following is an entry in ClinVar:

NM_002878.4(RAD51D):c.498G>T (p.Arg166Ser)

Genes: RAD51L3-RFFL (RAD51L3-RFFL readthrough; minus strand), RAD51D (RAD51 paralog D; minus strand). Cytogenetic location: 17q12.
Variant type: single nucleotide variant.
Coding change: c.498G>T on transcript NM_002878.4 (MANE Select); coding-DNA position 498, G replaced by T.
Protein change: p.Arg166Ser; replaces arginine 166 with serine.
Molecular consequence: missense variant. On other transcripts: non-coding transcript variant (3).
Genome position (GRCh38, 1-based): chr17:35,106,464, C>A on the plus strand (G>T on the coding strand, the complement: RAD51D is on the minus strand). VCF-style: chr17-35106464-C-A. GRCh37 (hg19) VCF-style: chr17-33433483-C-A.
Other names: c.558G>T, p.Arg186Ser (NM_001142571.2); c.162G>T, p.Arg54Ser (NM_133629.3); short protein forms R186S, R54S, R166S.
Identifiers: ClinVar variation 648006 (VCV000648006.7), dbSNP rs1597861829, ClinGen allele CA399088989.

ClinVar aggregate classification (germline): Uncertain significance (1 of 4 stars; one submission).

Conditions:
Breast-ovarian cancer, familial, susceptibility to, 4. Identifiers: Orphanet 145, MedGen C3280345, MONDO:0013669, OMIM 614291.

Submission:

Labcorp Genetics (formerly Invitae), Labcorp
Classification: Uncertain significance for Breast-ovarian cancer, familial, susceptibility to, 4. Last evaluated: 2022-11-07. Review status: criteria provided, single submitter. Criteria: Invitae Variant Classification Sherloc (09022015). Collection method: clinical testing. Allele origin: germline.
Comment: This sequence change replaces arginine, which is basic and polar, with serine, which is neutral and polar, at codon 166 of the RAD51D protein (p.Arg166Ser). In summary, the available evidence is currently insufficient to determine the role of this variant in disease. Therefore, it has been classified as a Variant of Uncertain Significance. Advanced modeling of protein sequence and biophysical properties (such as structural, functional, and spatial information, amino acid conservation, physicochemical variation, residue mobility, and thermodynamic stability) performed at Invitae indicates that this missense variant is not expected to disrupt RAD51D protein function. ClinVar contains an entry for this variant (Variation ID: 648006). This variant has not been reported in the literature in individuals affected with RAD51D-related conditions. This variant is not present in population databases (gnomAD no frequency).